The following is an entry in ClinVar:

NM_000834.5(GRIN2B):c.2536T>C (p.Phe846Leu)

Gene: GRIN2B (glutamate ionotropic receptor NMDA type subunit 2B; minus strand). Cytogenetic location: 12p13.1.
Variant type: single nucleotide variant.
Coding change: c.2536T>C on transcript NM_000834.5 (MANE Select); coding-DNA position 2536, T replaced by C.
Protein change: p.Phe846Leu; replaces phenylalanine 846 with leucine.
Molecular consequence: missense variant.
Genome position (GRCh38, 1-based): chr12:13,567,087, A>G on the plus strand (T>C on the coding strand, the complement: GRIN2B is on the minus strand). VCF-style: chr12-13567087-A-G. GRCh37 (hg19) VCF-style: chr12-13720021-A-G.
Other names: c.2536T>C, p.Phe846Leu (NM_001413992.1); short protein forms F846L.
Identifiers: ClinVar variation 2166851 (VCV002166851.4), dbSNP rs764400458, ClinGen allele CA6461043.
Genomic context (GRCh38, chr12:13,567,087, plus strand): 5'-TGCTGATGGAGAAGACCATGCCAGGCTTGCCAGAACAGACACCCATAAAGCAATGTCGGA[A>G]CTGCCAATAGAAAAGGTGTTCGCAGATGAAGGTGATGAGGCTGAGAGCCATGGCCGCCCC-3'
Protein context (NP_000825.2, residues 836-856): FICEHLFYWQ[Phe846Leu]RHCFMGVCSG

ClinVar aggregate classification (germline): Uncertain significance (1 of 4 stars; one submission).

Conditions:
Developmental and epileptic encephalopathy, 27 (DEE27). Also called: GRIN2B-Related Neurodevelopmental Disorder; Epileptic encephalopathy, early infantile, 27. Identifiers: Orphanet 3451, MedGen C4015316, MONDO:0014505, OMIM 616139.
Intellectual developmental disorder, autosomal dominant 6, with or without seizures. Also called: Intellectual disability, autosomal dominant 6; GRIN2B-related developmental delay, intellectual disability and autism spectrum disorder. Identifiers: Orphanet 589547, MedGen C3151411, MONDO:0013509, OMIM 613970.

Allele frequency attached by ClinVar (database versions not stated): gnomAD exomes below 0.00001; ExAC 0.00001.
gnomAD v4.1: 2 of 1,614,226 alleles (0.00012%); highest among the groups gnomAD compares: Admixed American, 0.0033%; no homozygotes.

Submission:

Labcorp Genetics (formerly Invitae), Labcorp
Classification: Uncertain significance for Developmental and epileptic encephalopathy, 27; Intellectual developmental disorder, autosomal dominant 6, with or without seizures. Last evaluated: 2023-07-17. Review status: criteria provided, single submitter. Criteria: Invitae Variant Classification Sherloc (09022015). Collection method: clinical testing. Allele origin: germline.
Comment: Advanced modeling of protein sequence and biophysical properties (such as structural, functional, and spatial information, amino acid conservation, physicochemical variation, residue mobility, and thermodynamic stability) performed at Invitae indicates that this missense variant is not expected to disrupt GRIN2B protein function. ClinVar contains an entry for this variant (Variation ID: 2166851). This variant has not been reported in the literature in individuals affected with GRIN2B-related conditions. This variant is present in population databases (rs764400458, gnomAD 0.006%). This sequence change replaces phenylalanine, which is neutral and non-polar, with leucine, which is neutral and non-polar, at codon 846 of the GRIN2B protein (p.Phe846Leu). In summary, the available evidence is currently insufficient to determine the role of this variant in disease. Therefore, it has been classified as a Variant of Uncertain Significance.